The following is an entry in ClinVar:

NM_198947.4(FAM111B):c.963A>G (p.Arg321=)

Gene: FAM111B (FAM111 trypsin like peptidase B; plus strand). Cytogenetic location: 11q12.1.
Variant type: single nucleotide variant.
Coding change: c.963A>G on transcript NM_198947.4 (MANE Select); coding-DNA position 963, A replaced by G.
Protein change: p.Arg321=; no amino-acid change (arginine 321 retained).
Molecular consequence: synonymous variant.
Genome position (GRCh38, 1-based): chr11:59,125,060, A>G. VCF-style: chr11-59125060-A-G. GRCh37 (hg19) VCF-style: chr11-58892533-A-G.
Other names: c.873A>G, p.Arg291= (NM_001142703.2, NM_001142704.2).
Identifiers: ClinVar variation 3058277 (VCV003058277.3), dbSNP rs148826855, ClinGen allele CA6016234.

ClinVar aggregate classification (germline): Likely benign. Review status: criteria provided, single submitter (1 of 4 stars). 2 submissions from 2 submitters: Likely benign (1). 1 of the submissions does not count toward it. Last evaluated 2022-11-02.

Conditions:
FAM111B-related disorder. Also called: FAM111B-related condition.

Allele frequency attached by ClinVar (database versions not stated): gnomAD exomes 0.00001; ExAC 0.00003; gnomAD 0.00011; ESP Exome Variant Server 0.00023; TOPMed 0.00026.
gnomAD v4.1: 28 of 1,613,330 alleles (0.0017%); highest among the groups gnomAD compares: African/African-American, 0.033%; no homozygotes.

Submissions (2):

Blueprint Genetics
Classification: Likely benign. Last evaluated: 2022-11-02. Review status: criteria provided, single submitter. Criteria: ACMG Guidelines, 2015. Collection method: clinical testing. Allele origin: germline.

PreventionGenetics, part of Exact Sciences
Classification: Likely benign for FAM111B-related condition. Last evaluated: 2019-03-01. Review status: no assertion criteria provided. Collection method: clinical testing. Allele origin: germline. Not counted in ClinVar's aggregate classification.
Comment: This variant is classified as likely benign based on ACMG/AMP sequence variant interpretation guidelines (Richards et al. 2015 PMID: 25741868, with internal and published modifications).